The following is an entry in ClinVar:

ClinVar aggregate classification (germline): Pathogenic (1 of 4 stars; one submission).

Conditions:
Hereditary factor XI deficiency disease. Also called: PLASMA THROMBOPLASTIN ANTECEDENT DEFICIENCY; PTA DEFICIENCY; ROSENTHAL SYNDROME; Congenital factor XI deficiency. Identifiers: Orphanet 329, MedGen C0015523, MeSH D005173, MONDO:0012897, OMIM 612416.

Submission:

Myriad Genetics, Inc.
Classification: Pathogenic for Hereditary factor XI deficiency disease. Last evaluated: 2026-08-01. Review status: criteria provided, single submitter. Criteria: Myriad Autosomal Dominant, Autosomal Recessive and X-Linked Classification Criteria (2023). Collection method: clinical testing. Allele origin: unknown.
Comment: NM_000128.3(F11):c.1573A>T(R525*) is expected to be pathogenic in the context of factor XI deficiency. This variant is predicted to lead to an abnormal or absent protein product due to the creation of a premature termination codon in F11, a gene where loss-of-function variants are known to be pathogenic. Please note: this variant was assessed in the context of healthy population screening.

NM_000128.4(F11):c.1573A>T (p.Arg525Ter)

Genes: F11 (coagulation factor XI; plus strand), F11-AS1 (F11 antisense RNA 1; minus strand). Cytogenetic location: 4q35.2.
Variant type: single nucleotide variant.
Coding change: c.1573A>T on transcript NM_000128.4 (MANE Select); coding-DNA position 1573, A replaced by T.
Protein change: p.Arg525Ter; replaces arginine 525 with a stop codon.
Molecular consequence: nonsense. On other transcripts: intron variant (4).
Genome position (GRCh38, 1-based): chr4:186,286,507, A>T. VCF-style: chr4-186286507-A-T. GRCh37 (hg19) VCF-style: chr4-187207661-A-T.
Other names: c.1525A>T, p.Arg509Ter (NM_001440590.1); c.1303A>T, p.Arg435Ter (NM_001440605.1); c.1255A>T, p.Arg419Ter (NM_001440606.1); c.1480+694A>T (NM_001440593.1); c.1432+694A>T (NM_001440596.1); c.1210+694A>T (NM_001440607.1); c.1162+694A>T (NM_001440608.1); short protein forms R419*, R435*, R509*, R525*.
Identifiers: ClinVar variation 5016190 (VCV005016190.1).